The following is an entry in ClinVar:

NM_000213.5(ITGB4):c.5179_5200del (p.Pro1726_Glu1727insTer)

Genes: GALK1 (galactokinase 1; minus strand), ITGB4 (integrin subunit beta 4; plus strand). Cytogenetic location: 17q25.1.
Variant type: Deletion.
Coding change: c.5179_5200del on transcript NM_000213.5 (MANE Select); coding-DNA positions 5179 to 5200, 22 bases deleted (GAGCGCGAGGGCATCATCACCA).
Protein change: p.Pro1726_Glu1727insTer.
Molecular consequence: nonsense. On other transcripts: intron variant (1).
Genome position (GRCh38, 1-based): chr17:75,757,068-75,757,089, GAGCGCGAGGGCATCATCACCA deleted; deleting any 22 consecutive bases within chr17:75,757,065-75,757,089 gives the same sequence; the c. name uses the placement nearest the transcript's 3' end. VCF-style (leftmost placement, unchanged base first): chr17-75757064-GCCAGAGCGCGAGGGCATCATCA-G. GRCh37 (hg19) VCF-style: chr17-73753145-GCCAGAGCGCGAGGGCATCATCA-G.
Other names: c.5128_5149del, p.Pro1709_Glu1710insTer (NM_001005619.2); c.4969_4990del, p.Pro1656_Glu1657insTer (NM_001005731.3, NM_001321123.2); c.4819_4840del, p.Pro1606_Glu1607insTer (NM_001438834.1); c.*22+948_*22+969del (NM_001381985.1).
Identifiers: ClinVar variation 557909 (VCV000557909.5), dbSNP rs759412123, ClinGen allele CA8770481.

ClinVar aggregate classification (germline): Pathogenic. Review status: criteria provided, single submitter (1 of 4 stars). 2 submissions from 2 submitters: Pathogenic (1). 1 of the submissions does not count toward it. Last evaluated 2023-02-14.

Conditions:
Deficiency of galactokinase. Also called: Galactokinase deficiency with cataracts; GALACTOSEMIA II. Identifiers: Orphanet 352, Orphanet 79237, MedGen C0268155, MONDO:0009255, OMIM 230200.

Submissions (2):

Labcorp Genetics (formerly Invitae), Labcorp
Classification: Pathogenic. Last evaluated: 2023-02-14. Review status: criteria provided, single submitter. Criteria: Invitae Variant Classification Sherloc (09022015). Collection method: clinical testing. Allele origin: germline.
Comment: This sequence change creates a premature translational stop signal (p.Glu1657*) in the ITGB4 gene. It is expected to result in an absent or disrupted protein product. Loss-of-function variants in ITGB4 are known to be pathogenic (PMID: 11328943, 16473856). For these reasons, this variant has been classified as Pathogenic. Algorithms developed to predict the effect of sequence changes on RNA splicing suggest that this variant may create or strengthen a splice site. ClinVar contains an entry for this variant (Variation ID: 557909). This premature translational stop signal has been observed in individual(s) with epidermolysis bullosa (PMID: 23496044). This variant is not present in population databases (gnomAD no frequency).

Counsyl
Classification: Uncertain significance for Deficiency of galactokinase. Last evaluated: 2018-04-20. Review status: no assertion criteria provided. Collection method: clinical testing. Allele origin: unknown. Not counted in ClinVar's aggregate classification.

Literature cited by the submitters: PubMed 11328943 (cited by Labcorp Genetics (formerly Invitae), Labcorp); PubMed 16473856 (cited by Labcorp Genetics (formerly Invitae), Labcorp); PubMed 23496044 (cited by Labcorp Genetics (formerly Invitae), Labcorp).